The following is an entry in ClinVar:

NM_024334.3(TMEM43):c.730del (p.Ser244fs)

Gene: TMEM43 (transmembrane protein 43; plus strand). Cytogenetic location: 3p25.1.
Variant type: Deletion.
Coding change: c.730del on transcript NM_024334.3 (MANE Select); coding-DNA position 730, one base deleted (T; older notation c.730delT).
Protein change: p.Ser244fs; shifts the reading frame from serine 244.
Molecular consequence: frameshift variant. On other transcripts: intron variant (1).
Genome position (GRCh38, 1-based): chr3:14,135,182, T deleted; the last of 4 consecutive T bases (chr3:14,135,179-14,135,182); deleting any one gives the same sequence. VCF-style (leftmost placement, unchanged base first): chr3-14135178-CT-C. GRCh37 (hg19) VCF-style: chr3-14176678-CT-C.
Other names: c.733del, p.Ser245fs (NM_001407274.1); c.730del, p.Ser244fs (NM_001407275.1, NM_001407276.1, NM_001407277.1); c.715del, p.Ser239fs (NM_001407278.1); c.580del, p.Ser194fs (NM_001407280.1); c.705+291del (NM_001407279.1); short protein forms S194fs, S239fs, S244fs, S245fs.
Identifiers: ClinVar variation 4756218 (VCV004756218.1).

ClinVar aggregate classification (germline): Uncertain significance (1 of 4 stars; one submission).

Conditions:
Cardiomyopathy (CMYO). Also called: Cardiomyopathies. Identifiers: Orphanet 167848, MedGen C0878544, MONDO:0004994, HP:0001638. Inheritance: Various modes of inheritance.

Submission:

Color Diagnostics, LLC DBA Color Health
Classification: Uncertain significance for Cardiomyopathy. Last evaluated: 2025-08-18. Review status: criteria provided, single submitter. Criteria: ACMG Guidelines, 2015. Collection method: clinical testing. Allele origin: germline.
Comment: This variant deletes 1 nucleotide in exon 9 of the TMEM43 gene, creating a frameshift and premature translation stop signal. This variant is expected to result in an absent protein product. To our knowledge, this variant has not been reported in individuals affected with TMEM43-related disorders in the literature. This variant has not been identified in the general population by the Genome Aggregation Database (gnomAD). The role of loss-of-function TMEM43 truncation variants in autosomal dominant cardiovascular disorders is not clearly understood. The available evidence is insufficient to determine the role of this variant in disease conclusively. Therefore, this variant is classified as a Variant of Uncertain Significance.